The following is an entry in ClinVar:

NM_004304.5(ALK):c.3646-235A>G

Gene: ALK (ALK receptor tyrosine kinase; minus strand). Cytogenetic location: 2p23.2.
Variant type: single nucleotide variant.
Coding change: c.3646-235A>G on transcript NM_004304.5 (MANE Select); 235 bases into the intron before coding-DNA position 3646, A replaced by G.
Molecular consequence: intron variant.
Genome position (GRCh38, 1-based): chr2:29,214,316, T>C on the plus strand (A>G on the coding strand, the complement: ALK is on the minus strand). VCF-style: chr2-29214316-T-C. GRCh37 (hg19) VCF-style: chr2-29437182-T-C.
Other names: c.442-235A>G (NM_001353765.2).
Identifiers: ClinVar variation 676839 (VCV000676839.1), dbSNP rs1630306, ClinGen allele CA11005442.

ClinVar aggregate classification (germline): Benign (1 of 4 stars; one submission).

Allele frequency attached by ClinVar (database versions not stated): gnomAD 0.50801 and 0.51635; TOPMed 0.53294; 1000 Genomes Project 30x 0.60415; 1000 Genomes Project 0.60803.
gnomAD v4.1: 78,662 of 151,990 alleles (52%); highest among the groups gnomAD compares: East Asian, 89%; 21,186 homozygotes.

Submission:

GeneDx
Classification: Benign. Last evaluated: 2018-06-16. Review status: criteria provided, single submitter. Criteria: GeneDx Variant Classification (06012015). Collection method: clinical testing. Allele origin: germline. Affected: yes.
Comment: This variant is considered likely benign or benign based on one or more of the following criteria: it is a conservative change, it occurs at a poorly conserved position in the protein, it is predicted to be benign by multiple in silico algorithms, and/or has population frequency not consistent with disease.